The following is an entry in ClinVar:

ClinVar aggregate classification (germline): Uncertain significance. Review status: criteria provided, multiple submitters, no conflicts (2 of 4 stars). 2 submissions from 2 submitters: Uncertain significance (2). Last evaluated 2025-12-23.

Conditions:
Hereditary cancer-predisposing syndrome. Also called: Tumor predisposition; Hereditary neoplastic syndrome; Neoplastic Syndromes, Hereditary; Hereditary Cancer Syndrome. Identifiers: Orphanet 140162, MedGen C0027672, MeSH D009386, MONDO:0015356.
Oligodontia-cancer predisposition syndrome. Also called: TOOTH AGENESIS-COLORECTAL CANCER SYNDROME. Identifiers: Orphanet 300576, MedGen C1837750, MONDO:0012075, OMIM 608615. Disease mechanism: loss of function.

Allele frequency attached by ClinVar (database versions not stated): TOPMed below 0.00001; gnomAD 0.00001.
gnomAD v4.1: 4 of 1,613,526 alleles (0.00025%); highest among the groups gnomAD compares: East Asian, 0.0089%; no homozygotes.

Submissions (2):

Labcorp Genetics (formerly Invitae), Labcorp
Classification: Uncertain significance for Oligodontia-cancer predisposition syndrome. Last evaluated: 2025-12-23. Review status: criteria provided, single submitter. Criteria: Invitae Variant Classification Sherloc (09022015). Collection method: clinical testing. Allele origin: germline.
Comment: This sequence change replaces valine, which is neutral and non-polar, with alanine, which is neutral and non-polar, at codon 619 of the AXIN2 protein (p.Val619Ala). This variant is present in population databases (no rsID available, gnomAD 0.02%). This variant has not been reported in the literature in individuals affected with AXIN2-related conditions. ClinVar contains an entry for this variant (Variation ID: 957449). Invitae Evidence Modeling of protein sequence and biophysical properties (such as structural, functional, and spatial information, amino acid conservation, physicochemical variation, residue mobility, and thermodynamic stability) indicates that this missense variant is expected to disrupt AXIN2 protein function with a positive predictive value of 80%. In summary, the available evidence is currently insufficient to determine the role of this variant in disease. Therefore, it has been classified as a Variant of Uncertain Significance.

Ambry Genetics
Classification: Uncertain significance for Hereditary cancer-predisposing syndrome. Last evaluated: 2025-11-16. Review status: criteria provided, single submitter. Criteria: Ambry Variant Classification Scheme 2023. Collection method: clinical testing. Allele origin: germline.
Comment: The p.V619A variant (also known as c.1856T>C), located in coding exon 6 of the AXIN2 gene, results from a T to C substitution at nucleotide position 1856. The valine at codon 619 is replaced by alanine, an amino acid with similar properties. This amino acid position is well conserved in available vertebrate species. In addition, the in silico prediction for this alteration is inconclusive. Since supporting evidence is limited at this time, the clinical significance of this alteration remains unclear.

NM_004655.4(AXIN2):c.1856T>C (p.Val619Ala)

Gene: AXIN2 (axin 2; minus strand). Cytogenetic location: 17q24.1.
Variant type: single nucleotide variant.
Coding change: c.1856T>C on transcript NM_004655.4 (MANE Select); coding-DNA position 1856, T replaced by C.
Protein change: p.Val619Ala; replaces valine 619 with alanine.
Molecular consequence: missense variant. On other transcripts: intron variant (1).
Genome position (GRCh38, 1-based): chr17:65,536,920, A>G on the plus strand (T>C on the coding strand, the complement: AXIN2 is on the minus strand). VCF-style: chr17-65536920-A-G. GRCh37 (hg19) VCF-style: chr17-63533038-A-G.
Other names: c.1713-367T>C (NM_001363813.1); short protein forms V619A.
Identifiers: ClinVar variation 957449 (VCV000957449.11), dbSNP rs1476148267, ClinGen allele CA400676484.
Genomic context (GRCh38, chr17:65,536,920, plus strand): 5'-GGTGTTTACCTATGGGGCTTGGGCTTGCTCTGCCGCTCACTCTCCAGCATCCACTGCCAG[A>G]CATCCTGCGACCTGTCTCCTTCCTCCCGGGGAAGCTGCAGGGCCCCAGCTCCGCCGGGGG-3'
Protein context (NP_004646.3, residues 609-629): PREEGDRSQD[Val619Ala]WQWMLESERQ